The following is an entry in ClinVar:

ClinVar aggregate classification (germline): Uncertain significance. Review status: criteria provided, multiple submitters, no conflicts (2 of 4 stars). 2 submissions from 2 submitters: Uncertain significance (2). Last evaluated 2025-11-22.

Conditions:
Left ventricular noncompaction 8 (LVNC8). Identifiers: Orphanet 154, Orphanet 54260, MedGen C3809288, MONDO:0014152, OMIM 615373.
Inborn genetic diseases. Identifiers: MedGen C0950123, MeSH D030342.

gnomAD v4.1: 1 of 1,553,602 alleles (0.000064%); highest among the groups gnomAD compares: Non-Finnish European, 0.000087%; no homozygotes.

Submissions (2):

Labcorp Genetics (formerly Invitae), Labcorp
Classification: Uncertain significance for Left ventricular noncompaction 8. Last evaluated: 2025-11-22. Review status: criteria provided, single submitter. Criteria: Invitae Variant Classification Sherloc (09022015). Collection method: clinical testing. Allele origin: germline.
Comment: This sequence change replaces proline, which is neutral and non-polar, with threonine, which is neutral and polar, at codon 1161 of the PRDM16 protein (p.Pro1161Thr). This variant is not present in population databases (gnomAD no frequency). This variant has not been reported in the literature in individuals affected with PRDM16-related conditions. ClinVar contains an entry for this variant (Variation ID: 3606049). An algorithm developed to predict the effect of missense changes on protein structure and function (PolyPhen-2) suggests that this variant is likely to be tolerated. In summary, the available evidence is currently insufficient to determine the role of this variant in disease. Therefore, it has been classified as a Variant of Uncertain Significance.

Ambry Genetics
Classification: Uncertain significance for Inborn genetic diseases. Last evaluated: 2025-11-20. Review status: criteria provided, single submitter. Criteria: Ambry Variant Classification Scheme 2023. Collection method: clinical testing. Allele origin: germline.

NM_022114.4(PRDM16):c.3481C>A (p.Pro1161Thr)

Gene: PRDM16 (PR/SET domain 16; plus strand). Cytogenetic location: 1p36.32.
Variant type: single nucleotide variant.
Coding change: c.3481C>A on transcript NM_022114.4 (MANE Select); coding-DNA position 3481, C replaced by A.
Protein change: p.Pro1161Thr; replaces proline 1161 with threonine.
Molecular consequence: missense variant.
Genome position (GRCh38, 1-based): chr1:3,431,068, C>A. VCF-style: chr1-3431068-C-A. GRCh37 (hg19) VCF-style: chr1-3347632-C-A.
Other names: c.3481C>A (NM_022114.3); c.3481C>A, p.Pro1161Thr (NM_199454.3); short protein forms P1161T.
Identifiers: ClinVar variation 3606049 (VCV003606049.3).